The following is an entry in ClinVar:

NM_001042492.3(NF1):c.7063-14A>G

Gene: NF1 (neurofibromin 1; plus strand). Cytogenetic location: 17q11.2.
Variant type: single nucleotide variant.
Coding change: c.7063-14A>G on transcript NM_001042492.3 (MANE Select); 14 bases into the intron before coding-DNA position 7063, A replaced by G.
Molecular consequence: intron variant.
Genome position (GRCh38, 1-based): chr17:31,342,995, A>G. VCF-style: chr17-31342995-A-G. GRCh37 (hg19) VCF-style: chr17-29670013-A-G.
Other names: c.7000-14A>G (NM_000267.4).
Identifiers: ClinVar variation 1650197 (VCV001650197.9), dbSNP rs2151564884, ClinGen allele CA2573153900.

ClinVar aggregate classification (germline): Likely benign. Review status: criteria provided, multiple submitters, no conflicts (2 of 4 stars). 2 submissions from 2 submitters: Likely benign (2). Last evaluated 2026-09-22.

Conditions:
Neurofibromatosis, type 1 (NF1). Also called: NEUROFIBROMATOSIS, TYPE I, SOMATIC; Neurofibromatosis, type I; VON RECKLINGHAUSEN DISEASE; Peripheral type neurofibromatosis. Identifiers: Orphanet 636, MedGen C0027831, MONDO:0018975, OMIM 162200. Disease mechanism: loss of function.

Submissions (2):

Myriad Genetics, Inc.
Classification: Likely benign for Neurofibromatosis, type 1. Last evaluated: 2026-09-22. Review status: criteria provided, single submitter. Criteria: Myriad Autosomal Dominant, Autosomal Recessive and X-Linked Classification Criteria (2023). Collection method: clinical testing. Allele origin: unknown.
Comment: This variant is considered likely benign. This variant is intronic and is not expected to impact mRNA splicing.

Labcorp Genetics (formerly Invitae), Labcorp
Classification: Likely benign for Neurofibromatosis, type 1. Last evaluated: 2024-12-26. Review status: criteria provided, single submitter. Criteria: Invitae Variant Classification Sherloc (09022015). Collection method: clinical testing. Allele origin: germline.